The following is an entry in ClinVar:

ClinVar aggregate classification (germline): Uncertain significance (1 of 4 stars; one submission).

Conditions:
Hyperammonemic encephalopathy due to carbonic anhydrase VA deficiency. Also called: Carbonic Anhydrase VA Deficiency; Carbonic anhydrase VA deficiency, hyperammonemia due to. Identifiers: Orphanet 401948, MedGen C4706871, MONDO:0014332, OMIM 615751.

Allele frequency attached by ClinVar (database versions not stated): gnomAD exomes below 0.00001; TOPMed below 0.00001.
gnomAD v4.1: 1 of 1,612,668 alleles (0.000062%); highest among the groups gnomAD compares: Admixed American, 0.0017%; no homozygotes.

Submission:

Labcorp Genetics (formerly Invitae), Labcorp
Classification: Uncertain significance for Hyperammonemic encephalopathy due to carbonic anhydrase VA deficiency. Last evaluated: 2023-07-17. Review status: criteria provided, single submitter. Criteria: Invitae Variant Classification Sherloc (09022015). Collection method: clinical testing. Allele origin: germline.
Comment: In summary, the available evidence is currently insufficient to determine the role of this variant in disease. Therefore, it has been classified as a Variant of Uncertain Significance. An algorithm developed to predict the effect of missense changes on protein structure and function (PolyPhen-2) suggests that this variant is likely to be disruptive. ClinVar contains an entry for this variant (Variation ID: 1929769). This variant has not been reported in the literature in individuals affected with CA5A-related conditions. This variant is not present in population databases (gnomAD no frequency). This sequence change replaces alanine, which is neutral and non-polar, with serine, which is neutral and polar, at codon 170 of the CA5A protein (p.Ala170Ser).

NM_001739.2(CA5A):c.508G>T (p.Ala170Ser)

Gene: CA5A (carbonic anhydrase 5A; minus strand). Cytogenetic location: 16q24.2.
Variant type: single nucleotide variant.
Coding change: c.508G>T on transcript NM_001739.2 (MANE Select); coding-DNA position 508, G replaced by T.
Protein change: p.Ala170Ser; replaces alanine 170 with serine.
Molecular consequence: missense variant. On other transcripts: non-coding transcript variant (2).
Genome position (GRCh38, 1-based): chr16:87,902,472, C>A on the plus strand (G>T on the coding strand, the complement: CA5A is on the minus strand). VCF-style: chr16-87902472-C-A. GRCh37 (hg19) VCF-style: chr16-87936078-C-A.
Other names: c.508G>T, p.Ala170Ser (NM_001367225.1); short protein forms A170S.
Identifiers: ClinVar variation 1929769 (VCV001929769.5), dbSNP rs2055892914, ClinGen allele CA397041830.